The following is an entry in ClinVar:

ClinVar aggregate classification (germline): Likely benign. Review status: criteria provided, multiple submitters, no conflicts (2 of 4 stars). 5 submissions from 5 submitters: Likely benign (4). 1 of the submissions does not count toward it. Last evaluated 2026-06-05.

Conditions:
Acrocallosal syndrome (ACLS). Also called: Schinzel syndrome 1; Absence of corpus callosum with unusual facial appearance, mental deficiency, duplication of the halluces and polydactyly; HALLUX DUPLICATION, POSTAXIAL POLYDACTYLY, AND ABSENCE OF CORPUS CALLOSUM. Identifiers: Orphanet 36, MedGen C0796147, MONDO:0008708, OMIM 200990.
KIF7-related disorder. Also called: KIF7-related condition.

Allele frequency attached by ClinVar (database versions not stated): gnomAD exomes 0.00002 and 0.00004; ExAC 0.00004; ESP Exome Variant Server 0.00023; gnomAD 0.00026 and 0.00029; TOPMed 0.00032.
gnomAD v4.1: 66 of 1,613,222 alleles (0.0041%); highest among the groups gnomAD compares: African/African-American, 0.076%; 1 homozygote.

Submissions (5):

Women's Health and Genetics/Laboratory Corporation of America, LabCorp
Classification: Likely benign. Last evaluated: 2026-06-05. Review status: criteria provided, single submitter. Criteria: LabCorp Variant Classification Summary - May 2015. Collection method: clinical testing. Allele origin: germline.

Labcorp Genetics (formerly Invitae), Labcorp
Classification: Likely benign for Acrocallosal syndrome. Last evaluated: 2025-07-29. Review status: criteria provided, single submitter. Criteria: Invitae Variant Classification Sherloc (09022015). Collection method: clinical testing. Allele origin: germline.

Blueprint Genetics
Classification: Likely benign. Last evaluated: 2024-01-23. Review status: criteria provided, single submitter. Criteria: ACMG Guidelines, 2015. Collection method: clinical testing. Allele origin: germline.

GeneDx
Classification: Likely benign. Last evaluated: 2016-06-14. Review status: criteria provided, single submitter. Criteria: GeneDx Variant Classification (06012015). Collection method: clinical testing. Allele origin: germline. Affected: yes.
Comment: This variant is considered likely benign or benign based on one or more of the following criteria: it is a conservative change, it occurs at a poorly conserved position in the protein, it is predicted to be benign by multiple in silico algorithms, and/or has population frequency not consistent with disease.

PreventionGenetics, part of Exact Sciences
Classification: Likely benign for KIF7-related condition. Last evaluated: 2019-06-06. Review status: no assertion criteria provided. Collection method: clinical testing. Allele origin: germline. Not counted in ClinVar's aggregate classification.
Comment: This variant is classified as likely benign based on ACMG/AMP sequence variant interpretation guidelines (Richards et al. 2015 PMID: 25741868, with internal and published modifications).

NM_198525.3(KIF7):c.3828C>T (p.Thr1276=)

Gene: KIF7 (kinesin family member 7; minus strand). Cytogenetic location: 15q26.1.
Variant type: single nucleotide variant.
Coding change: c.3828C>T on transcript NM_198525.3 (MANE Select); coding-DNA position 3828, C replaced by T.
Protein change: p.Thr1276=; no amino-acid change (threonine 1276 retained).
Molecular consequence: synonymous variant.
Genome position (GRCh38, 1-based): chr15:89,628,623, G>A on the plus strand (C>T on the coding strand, the complement: KIF7 is on the minus strand). VCF-style: chr15-89628623-G-A. GRCh37 (hg19) VCF-style: chr15-90171854-G-A.
Identifiers: ClinVar variation 386891 (VCV000386891.12), dbSNP rs149585159, ClinGen allele CA7727512.